The following is an entry in ClinVar:

ClinVar aggregate classification (germline): Uncertain significance (1 of 4 stars; one submission).

Conditions:
Kabuki syndrome 1 (KABUK1). Also called: KMT2D-Related Kabuki Syndrome. Identifiers: Orphanet 2322, MedGen CN030661, MONDO:0007843, OMIM 147920.

Submission:

Mendelics
Classification: Uncertain significance for Kabuki syndrome 1. Last evaluated: 2026-03-05. Review status: criteria provided, single submitter. Criteria: ACMG Guidelines, 2015. Collection method: clinical testing. Allele origin: unknown.
Comment: The available evidence is insufficient to conclusively determine the role of this variant. Therefore, it is classified as a Variant of Uncertain Significance.

NM_003482.4(KMT2D):c.3727G>A (p.Gly1243Arg)

Genes: KMT2D (lysine methyltransferase 2D; minus strand), LOC126861520 (CDK7 strongly-dependent group 2 enhancer GRCh37_chr12:49442744-49443943; plus strand). Cytogenetic location: 12q13.12.
Variant type: single nucleotide variant.
Coding change: c.3727G>A on transcript NM_003482.4 (MANE Select); coding-DNA position 3727, G replaced by A.
Protein change: p.Gly1243Arg; replaces glycine 1243 with arginine.
Molecular consequence: missense variant.
Genome position (GRCh38, 1-based): chr12:49,049,861, C>T on the plus strand (G>A on the coding strand, the complement: KMT2D is on the minus strand). VCF-style: chr12-49049861-C-T. GRCh37 (hg19) VCF-style: chr12-49443644-C-T.
Other names: short protein forms G1243R.
Identifiers: ClinVar variation 4813529 (VCV004813529.1).